The following is an entry in ClinVar:

ClinVar aggregate classification (germline): Conflicting classifications of pathogenicity. Review status: criteria provided, conflicting classifications (1 of 4 stars). 2 submissions from 2 submitters: Likely pathogenic (1); Uncertain significance (1). Last evaluated 2023-12-25.

Conditions:
Autosomal recessive hypohidrotic ectodermal dysplasia syndrome. Also called: Autosomal recessive hypohidrotic ectodermal dysplasia. Identifiers: Orphanet 248, MedGen C0406702, MONDO:0016619.
Ectodermal dysplasia 10A, hypohidrotic/hair/nail type, autosomal dominant (ECTD10A). Also called: Ectodermal Dysplasia 3, Anhidrotic. Identifiers: Orphanet 1810, Orphanet 238468, MedGen C3888065, MONDO:0007509, OMIM 129490.
Inborn genetic diseases. Identifiers: MedGen C0950123, MeSH D030342.

Submissions (2):

Labcorp Genetics (formerly Invitae), Labcorp
Classification: Likely pathogenic for Ectodermal dysplasia 10A, hypohidrotic/hair/nail type, autosomal dominant; Autosomal recessive hypohidrotic ectodermal dysplasia syndrome. Last evaluated: 2023-12-25. Review status: criteria provided, single submitter. Criteria: Invitae Variant Classification Sherloc (09022015). Collection method: clinical testing. Allele origin: germline.
Comment: This sequence change replaces isoleucine, which is neutral and non-polar, with phenylalanine, which is neutral and non-polar, at codon 329 of the EDAR protein (p.Ile329Phe). This variant is not present in population databases (gnomAD no frequency). This missense change has been observed in individuals with clinical features of autosomal dominant ectodermal dysplasia (Invitae). ClinVar contains an entry for this variant (Variation ID: 522143). Advanced modeling of protein sequence and biophysical properties (such as structural, functional, and spatial information, amino acid conservation, physicochemical variation, residue mobility, and thermodynamic stability) has been performed at Invitae for this missense variant, however the output from this modeling did not meet the statistical confidence thresholds required to predict the impact of this variant on EDAR protein function. This variant disrupts the p.Ile329 amino acid residue in EDAR. Other variant(s) that disrupt this residue have been determined to be pathogenic (Invitae). This suggests that this residue is clinically significant, and that variants that disrupt this residue are likely to be disease-causing. In summary, the currently available evidence indicates that the variant is pathogenic, but additional data are needed to prove that conclusively. Therefore, this variant has been classified as Likely Pathogenic.

Ambry Genetics
Classification: Uncertain significance for Inborn genetic diseases. Last evaluated: 2017-10-12. Review status: criteria provided, single submitter. Criteria: Ambry exome assertion method (8-5-2015). Collection method: clinical testing. Allele origin: germline. Affected: yes. Observed: 1 variant allele.

NM_022336.4(EDAR):c.985A>T (p.Ile329Phe)

Genes: EDAR (ectodysplasin A receptor; minus strand), RANBP2 (RAN binding protein 2; plus strand). Cytogenetic location: 2q13.
Variant type: single nucleotide variant.
Coding change: c.985A>T on transcript NM_022336.4 (MANE Select); coding-DNA position 985, A replaced by T.
Protein change: p.Ile329Phe; replaces isoleucine 329 with phenylalanine.
Molecular consequence: missense variant.
Genome position (GRCh38, 1-based): chr2:108,906,347, T>A on the plus strand (A>T on the coding strand, the complement: EDAR is on the minus strand). VCF-style: chr2-108906347-T-A. GRCh37 (hg19) VCF-style: chr2-109522803-T-A.
Other names: short protein forms I329F.
Identifiers: ClinVar variation 522143 (VCV000522143.8), dbSNP rs1553444917, ClinGen allele CA348050488.